The following is an entry in ClinVar:

NM_014251.3(SLC25A13):c.72T>G (p.Tyr24Ter)

Gene: SLC25A13 (solute carrier family 25 member 13; minus strand). Cytogenetic location: 7q21.3.
Variant type: single nucleotide variant.
Coding change: c.72T>G on transcript NM_014251.3 (MANE Select); coding-DNA position 72, T replaced by G.
Protein change: p.Tyr24Ter; replaces tyrosine 24 with a stop codon.
Molecular consequence: nonsense. On other transcripts: non-coding transcript variant (1).
Genome position (GRCh38, 1-based): chr7:96,277,336, A>C on the plus strand (T>G on the coding strand, the complement: SLC25A13 is on the minus strand). VCF-style: chr7-96277336-A-C. GRCh37 (hg19) VCF-style: chr7-95906648-A-C.
Other names: c.72T>G (NM_014251.2); c.72T>G, p.Tyr24Ter (NM_001160210.2); short protein forms Y24*.
Identifiers: ClinVar variation 3240477 (VCV003240477.3), dbSNP rs1311945646.

ClinVar aggregate classification (germline): Likely pathogenic. Review status: criteria provided, multiple submitters, no conflicts (2 of 4 stars). 2 submissions from 2 submitters: Likely pathogenic (2). Last evaluated 2025-01-03.

Conditions:
Citrullinemia. Identifiers: Orphanet 187, MedGen C0175683, MONDO:0015991.
Citrullinemia, type II, adult-onset (CDAA). Also called: CITRIN DEFICIENCY, ADOLESCENT OR ADULT ONSET. Identifiers: Orphanet 247585, MedGen CN295299, MONDO:0011326, OMIM 603471.

Allele frequency attached by ClinVar (database versions not stated): gnomAD exomes 0.00001.
gnomAD v4.1: 10 of 1,611,504 alleles (0.00062%); highest among the groups gnomAD compares: Non-Finnish European, 0.00085%; no homozygotes.

Submissions (2):

Natera, Inc.
Classification: Likely pathogenic for Citrullinemia. Last evaluated: 2025-01-03. Review status: criteria provided, single submitter. Criteria: Natera Variant Classification Schema (03/2026). Collection method: clinical testing. Allele origin: germline.
Comment: The c.72T>G variant in SLC25A13 is a nonsense variant predicted to introduce a stop codon at amino acid 24. This variant is expected to result in nonsense mediated decay, truncation, or a dysfunctional protein product. This variant is rare in the general population with a frequency below the threshold expected for the associated phenotype(s). Given the available evidence, this variant is classified as Likely Pathogenic.

Baylor Genetics
Classification: Likely pathogenic for Citrullinemia, type II, adult-onset. Last evaluated: 2024-02-15. Review status: criteria provided, single submitter. Criteria: ACMG Guidelines, 2015. Collection method: clinical testing. Allele origin: unknown.